The following is an entry in ClinVar:

NM_000202.8(IDS):c.812_813insA (p.Gln272fs)

Genes: IDS (iduronate 2-sulfatase; minus strand), LOC106050102 (IDS recombination region; plus strand). Cytogenetic location: Xq28.
Variant type: Insertion.
Coding change: c.812_813insA on transcript NM_000202.8 (MANE Select); coding-DNA positions 812 to 813, A inserted.
Protein change: p.Gln272fs; shifts the reading frame from glutamine 272.
Molecular consequence: frameshift variant. On other transcripts: non-coding transcript variant (1).
Genome position: GRCh38 VCF-style: chrX-149496412-C-CT. GRCh37 (hg19) VCF-style: chrX-148577943-C-CT.
Other names: c.542_543insA, p.Gln182fs (NM_001166550.4); c.812_813insA, p.Gln272fs (NM_006123.5); short protein forms Q182fs, Q272fs.
Identifiers: ClinVar variation 3255853 (VCV003255853.2).

ClinVar aggregate classification (germline): Pathogenic (1 of 4 stars; one submission).

Conditions:
Mucopolysaccharidosis, MPS-II (MPS2). Also called: Hunter Syndrome; IDURONATE 2-SULFATASE DEFICIENCY; Mucopolysaccharidosis Type II; Mucopolysaccharidosis type 2; Attenuated MPS (subtype; formerly known as mild MPS II); Severe MPS II. Identifiers: Orphanet 580, Orphanet 79388, MedGen C0026705, MONDO:0010674, OMIM 309900.

Submission:

Laboratory of Diagnosis and Therapy of Lysosomal Disorders, University of Padova
Classification: Pathogenic for Mucopolysaccharidosis, MPS-II. Last evaluated: 2024-06-07. Review status: criteria provided, single submitter. Criteria: ACMG Guidelines, 2015. Collection method: literature only. Allele origin: germline. Affected: yes. Observed: 2 variant alleles.
Comment: Null variant (PVS1_VeryStrong), Absent from controls (or at low frequency) in gnomAD database (PM2_Moderate), Cosegregation with disease in multiple affected family members (PP1_Moderate), Patient’s phenotype or family history highly specific for the disease (PP4_Strong)

Classification method: ACMG Guidelines [PMID:25741868] with modifications

Literature cited by the submitters: PubMed 22976768.